The following is an entry in ClinVar:

NM_002693.3(POLG):c.3095C>G (p.Thr1032Ser)

Gene: POLG (DNA polymerase gamma, catalytic subunit; minus strand). Cytogenetic location: 15q26.1.
Variant type: single nucleotide variant.
Coding change: c.3095C>G on transcript NM_002693.3 (MANE Select); coding-DNA position 3095, C replaced by G.
Protein change: p.Thr1032Ser; replaces threonine 1032 with serine.
Molecular consequence: missense variant.
Genome position (GRCh38, 1-based): chr15:89,319,237, G>C on the plus strand (C>G on the coding strand, the complement: POLG is on the minus strand). VCF-style: chr15-89319237-G-C. GRCh37 (hg19) VCF-style: chr15-89862468-G-C.
Other names: c.3095C>G, p.Thr1032Ser (NM_001126131.2); short protein forms T1032S.
Identifiers: ClinVar variation 588422 (VCV000588422.5), dbSNP rs747482927, ClinGen allele CA393751260.

ClinVar aggregate classification (germline): Uncertain significance (1 of 4 stars; one submission).

Conditions:
Inborn genetic diseases. Identifiers: MedGen C0950123, MeSH D030342.

Submission:

Ambry Genetics
Classification: Uncertain significance for Inborn genetic diseases. Last evaluated: 2016-11-11. Review status: criteria provided, single submitter. Criteria: Ambry Variant Classification Scheme 2023. Collection method: clinical testing. Allele origin: germline.
Comment: The p.T1032S variant (also known as c.3095C>G), located in coding exon 18 of the POLG gene, results from a C to G substitution at nucleotide position 3095. The threonine at codon 1032 is replaced by serine, an amino acid with similar properties. This variant was not reported in population based cohorts in the following databases: Database of Single Nucleotide Polymorphisms (dbSNP), NHLBI Exome Sequencing Project (ESP), and 1000 Genomes Project. In the ESP, this variant was not observed in 6499 samples (12998 alleles) with coverage at this position. This amino acid position is not well conserved in available vertebrate species. In addition, this alteration is predicted to be tolerated by in silico analysis. Since supporting evidence is limited at this time, the clinical significance of this variant remains unclear.